The following is an entry in ClinVar:

ClinVar aggregate classification (germline): Uncertain significance. Review status: criteria provided, multiple submitters, no conflicts (2 of 4 stars). 2 submissions from 2 submitters: Uncertain significance (2). Last evaluated 2024-01-22.

Conditions:
Joubert syndrome 14 (JBTS14). Identifiers: MedGen C3280766, MONDO:0013745, OMIM 614424.

Submissions (2):

Fulgent Genetics
Classification: Uncertain significance for Joubert syndrome 14. Last evaluated: 2024-01-22. Review status: criteria provided, single submitter. Criteria: ACMG Guidelines, 2015. Collection method: clinical testing. Allele origin: germline.

Labcorp Genetics (formerly Invitae), Labcorp
Classification: Uncertain significance for Joubert syndrome 14. Last evaluated: 2022-11-29. Review status: criteria provided, single submitter. Criteria: Invitae Variant Classification Sherloc (09022015). Collection method: clinical testing. Allele origin: germline.
Comment: This variant, c.1018_1020del, results in the deletion of 1 amino acid(s) of the TMEM237 protein (p.Ser340del), but otherwise preserves the integrity of the reading frame. This variant is present in population databases (no rsID available, gnomAD 0.007%). This variant has not been reported in the literature in individuals affected with TMEM237-related conditions. Experimental studies and prediction algorithms are not available or were not evaluated, and the functional significance of this variant is currently unknown. In summary, the available evidence is currently insufficient to determine the role of this variant in disease. Therefore, it has been classified as a Variant of Uncertain Significance.

NM_001044385.3(TMEM237):c.1015TCT[1] (p.Ser340del)

Gene: TMEM237 (transmembrane protein 237; minus strand). Cytogenetic location: 2q33.1.
Variant type: Microsatellite.
Coding change: c.1015TCT[1] on transcript NM_001044385.3 (MANE Select); one copy of the 3-base unit TCT starting at c.1015; the reference has two copies in a row; one copy, 3 bases deleted; also written c.1018_1020del.
Protein change: p.Ser340del; deletes serine 340.
Molecular consequence: inframe deletion.
Genome position (GRCh38, 1-based): chr2:201,627,338-201,627,340, AGA deleted on the plus strand (TCT on the coding strand, the reverse complement: TMEM237 is on the minus strand); deleting any 3 consecutive bases within chr2:201,627,338-201,627,345 gives the same sequence; the position shown is the placement nearest the transcript's 3' end. VCF-style (leftmost placement, unchanged base first): chr2-201627337-CAGA-C. GRCh37 (hg19) VCF-style: chr2-202492060-CAGA-C.
Other names: c.1018_1020del (NM_001044385.3); c.991TCT[1], p.Ser332del (NM_152388.4); short protein forms S332del, S340del.
Identifiers: ClinVar variation 2077109 (VCV002077109.5), dbSNP rs1253829624, ClinGen allele CA538946891.